The following is an entry in ClinVar:

NM_001613.4(ACTA2):c.1047C>T (p.Ala349=)

Genes: ACTA2-AS1 (ACTA2 antisense RNA 1; plus strand), ACTA2 (actin alpha 2, smooth muscle; minus strand). Cytogenetic location: 10q23.31.
Variant type: single nucleotide variant.
Coding change: c.1047C>T on transcript NM_001613.4 (MANE Select); coding-DNA position 1047, C replaced by T.
Protein change: p.Ala349=; no amino-acid change (alanine 349 retained).
Molecular consequence: synonymous variant. On other transcripts: non-coding transcript variant (1).
Genome position (GRCh38, 1-based): chr10:88,935,310, G>A on the plus strand (C>T on the coding strand, the complement: ACTA2 is on the minus strand). VCF-style: chr10-88935310-G-A. GRCh37 (hg19) VCF-style: chr10-90695067-G-A.
Other names: c.1047C>T, p.Ala349= (NM_001141945.3, NM_001320855.2, NM_001406462.1 and 2 more transcripts); c.936C>T, p.Ala312= (NM_001406466.1); c.918C>T, p.Ala306= (NM_001406467.1, NM_001406468.1, NM_001406469.1); c.855C>T, p.Ala285= (NM_001406471.1).
Identifiers: ClinVar variation 469082 (VCV000469082.17), dbSNP rs111352790, ClinGen allele CA026713.

ClinVar aggregate classification (germline): Likely benign. Review status: criteria provided, multiple submitters, no conflicts (2 of 4 stars). 4 submissions from 4 submitters: Likely benign (4). Last evaluated 2025-04-23.

Conditions:
Aortic aneurysm, familial thoracic 6 (AAT6). Also called: FAMILIAL THORACIC AORTIC ANEURYSM WITH LIVEDO RETICULARIS AND IRIS FLOCCULI. Identifiers: MedGen C2673186, MONDO:0012730, OMIM 611788.
Familial thoracic aortic aneurysm and aortic dissection (TAAD). Also called: Thoracic aortic aneurysms and dissections. Identifiers: Orphanet 91387, MedGen C4707243, MONDO:0019625.

Allele frequency attached by ClinVar (database versions not stated): gnomAD exomes 0.00001; ExAC 0.00002; gnomAD 0.00006; TOPMed 0.00011; ESP Exome Variant Server 0.00015.
gnomAD v4.1: 31 of 1,613,984 alleles (0.0019%); highest among the groups gnomAD compares: African/African-American, 0.027%; 1 homozygote.

Submissions (4):

Labcorp Genetics (formerly Invitae), Labcorp
Classification: Likely benign for Aortic aneurysm, familial thoracic 6. Last evaluated: 2025-04-23. Review status: criteria provided, single submitter. Criteria: Invitae Variant Classification Sherloc (09022015). Collection method: clinical testing. Allele origin: germline.

All of Us Research Program, National Institutes of Health
Classification: Likely benign for Familial thoracic aortic aneurysm and aortic dissection. Last evaluated: 2024-02-05. Review status: criteria provided, single submitter. Criteria: ACMG Guidelines, 2015. Collection method: clinical testing. Allele origin: germline. Inheritance: Autosomal dominant inheritance. Observed: 3 variant alleles, 3 heterozygotes.
Comment: This study involves interpretation of variants in research participants for the purpose of population health screening. Participant phenotype was not available at the time of variant classification. Additional details can be found in publication PMID: 35346344, PMCID: PMC8962531

Ambry Genetics
Classification: Likely benign for Familial thoracic aortic aneurysm and aortic dissection. Last evaluated: 2022-09-16. Review status: criteria provided, single submitter. Criteria: Ambry Variant Classification Scheme 2023. Collection method: clinical testing. Allele origin: germline.

Color Diagnostics, LLC DBA Color Health
Classification: Likely benign for Familial thoracic aortic aneurysm and aortic dissection. Last evaluated: 2019-06-18. Review status: criteria provided, single submitter. Criteria: ACMG Guidelines, 2015. Collection method: clinical testing. Allele origin: germline.